The following is an entry in ClinVar:

ClinVar aggregate classification (germline): Uncertain significance (1 of 4 stars; one submission).

Conditions:
Familial intrahepatic cholestasis. Identifiers: Orphanet 284385, MedGen CN296401, MONDO:0017290.

Submission:

Genomenon, Inc
Classification: Uncertain significance for Familial intrahepatic cholestasis. Last evaluated: 2026-04-14. Review status: criteria provided, single submitter. Criteria: Genomenon Sequence Variant Interpretation Standards - Updated. Collection method: curation. Allele origin: germline. Affected: yes.
Comment: ABCB4 p.Phe603Ser (c.1808T>C) is a missense variant that changes the amino acid at residue 603 from Phenylalanine to Serine. This variant has been observed in at least one proband with an ABCB4-related disorder (PMID:38343606). It is absent or not present at a significant frequency in gnomAD. In conclusion, we classify ABCB4 p.Phe603Ser (c.1808T>C) as a variant of uncertain significance.

Literature cited by the submitters: PubMed 38343606.

NM_000443.4(ABCB4):c.1808T>C (p.Phe603Ser)

Gene: ABCB4 (ATP binding cassette subfamily B member 4; minus strand). Cytogenetic location: 7q21.12.
Variant type: single nucleotide variant.
Coding change: c.1808T>C on transcript NM_000443.4 (MANE Select); coding-DNA position 1808, T replaced by C.
Protein change: p.Phe603Ser; replaces phenylalanine 603 with serine.
Molecular consequence: missense variant.
Genome position (GRCh38, 1-based): chr7:87,431,489, A>G on the plus strand (T>C on the coding strand, the complement: ABCB4 is on the minus strand). VCF-style: chr7-87431489-A-G. GRCh37 (hg19) VCF-style: chr7-87060805-A-G.
Other names: c.1808T>C, p.Phe603Ser (NM_018849.3, NM_018850.3); short protein forms F603S.
Identifiers: ClinVar variation 4846449 (VCV004846449.1).